The following is an entry in ClinVar:

NM_004329.3(BMPR1A):c.1076C>T (p.Ala359Val)

Gene: BMPR1A (bone morphogenetic protein receptor type 1A; plus strand). Cytogenetic location: 10q23.2.
Variant type: single nucleotide variant.
Coding change: c.1076C>T on transcript NM_004329.3 (MANE Select); coding-DNA position 1076, C replaced by T.
Protein change: p.Ala359Val; replaces alanine 359 with valine.
Molecular consequence: missense variant.
Genome position (GRCh38, 1-based): chr10:86,919,379, C>T. VCF-style: chr10-86919379-C-T. GRCh37 (hg19) VCF-style: chr10-88679136-C-T.
Other names: short protein forms A359V.
Identifiers: ClinVar variation 853486 (VCV000853486.10), dbSNP rs1843627289, ClinGen allele CA377460788.

ClinVar aggregate classification (germline): Uncertain significance (1 of 4 stars; one submission).

Conditions:
Juvenile polyposis syndrome (JPS). Identifiers: Orphanet 2929, MedGen C0345893, MONDO:0017380, OMIM 174900.

Submission:

Labcorp Genetics (formerly Invitae), Labcorp
Classification: Uncertain significance for Juvenile polyposis syndrome. Last evaluated: 2019-02-19. Review status: criteria provided, single submitter. Criteria: Invitae Variant Classification Sherloc (09022015). Collection method: clinical testing. Allele origin: germline.
Comment: In summary, the available evidence is currently insufficient to determine the role of this variant in disease. Therefore, it has been classified as a Variant of Uncertain Significance. Algorithms developed to predict the effect of missense changes on protein structure and function (SIFT, PolyPhen-2, Align-GVGD) all suggest that this variant is likely to be disruptive, but these predictions have not been confirmed by published functional studies and their clinical significance is uncertain. This variant has not been reported in the literature in individuals with BMPR1A-related conditions. This variant is not present in population databases (ExAC no frequency). This sequence change replaces alanine with valine at codon 359 of the BMPR1A protein (p.Ala359Val). The alanine residue is highly conserved and there is a small physicochemical difference between alanine and valine.